The following is an entry in ClinVar:

ClinVar aggregate classification (germline): Uncertain significance (1 of 4 stars; one submission).

Conditions:
Autoimmune lymphoproliferative syndrome type 2B. Also called: AUTOIMMUNE LYMPHOPROLIFERATIVE SYNDROME, TYPE IIB. Identifiers: Orphanet 275517, MedGen C1846545, MONDO:0011804, OMIM 607271.

Submission:

Labcorp Genetics (formerly Invitae), Labcorp
Classification: Uncertain significance for Autoimmune lymphoproliferative syndrome type 2B. Last evaluated: 2026-01-27. Review status: criteria provided, single submitter. Criteria: Invitae Variant Classification Sherloc (09022015). Collection method: clinical testing. Allele origin: germline.
Comment: This sequence change replaces proline, which is neutral and non-polar, with leucine, which is neutral and non-polar, at codon 411 of the CASP8 protein (p.Pro411Leu). This variant is not present in population databases (gnomAD no frequency). This missense change has been observed in individual(s) with clinical features of CASP8-related conditions (PMID: 30337362). Invitae Evidence Modeling of protein sequence and biophysical properties (such as structural, functional, and spatial information, amino acid conservation, physicochemical variation, residue mobility, and thermodynamic stability) indicates that this missense variant is expected to disrupt CASP8 protein function with a positive predictive value of 80%. In summary, the available evidence is currently insufficient to determine the role of this variant in disease. Therefore, it has been classified as a Variant of Uncertain Significance.

Literature cited by the submitters: PubMed 30337362.

NM_001372051.1(CASP8):c.1181C>T (p.Pro394Leu)

Gene: CASP8 (caspase 8; plus strand). Cytogenetic location: 2q33.1.
Variant type: single nucleotide variant.
Coding change: c.1181C>T on transcript NM_001372051.1 (MANE Select); coding-DNA position 1181, C replaced by T.
Protein change: p.Pro394Leu; replaces proline 394 with leucine.
Molecular consequence: missense variant. On other transcripts: non-coding transcript variant (22), intron variant (1).
Genome position (GRCh38, 1-based): chr2:201,285,194, C>T. VCF-style: chr2-201285194-C-T. GRCh37 (hg19) VCF-style: chr2-202149917-C-T.
Other names: c.1136C>T, p.Pro379Leu (NM_001080124.2, NM_001400658.1, NM_001400659.1 and 5 more transcripts); c.1358C>T, p.Pro453Leu (NM_001080125.2); c.1232C>T, p.Pro411Leu (NM_001228.5); c.1313C>T, p.Pro438Leu (NM_001400642.1); c.1214C>T, p.Pro405Leu (NM_001400645.1); c.1181C>T, p.Pro394Leu (NM_001400648.1, NM_001400651.1, NM_001400653.1 and 5 more transcripts); c.1112C>T, p.Pro371Leu (NM_001400664.1); c.1106C>T, p.Pro369Leu (NM_001400665.1); and 7 more; short protein forms P394L, P379L, P411L, P438L, P291L, P369L, P371L, P453L.
Identifiers: ClinVar variation 4740162 (VCV004740162.1).
Genomic context (GRCh38, chr2:201,285,194, plus strand): 5'-ATTCAGAGGAGCAACCCTATTTAGAAATGGATTTATCATCACCTCAAACGAGATATATCC[C>T]GGATGAGGCTGACTTTCTGCTGGGGATGGCCACTGTGAATAACTGTGTTTCCTACCGAAA-3'
Protein context (NP_001358980.1, residues 384-404): DLSSPQTRYI[Pro394Leu]DEADFLLGMA